The following is an entry in ClinVar:

ClinVar aggregate classification (germline): Likely benign. Review status: criteria provided, multiple submitters, no conflicts (2 of 4 stars). 4 submissions from 4 submitters: Likely benign (4). Last evaluated 2026-01-14.

Conditions:
Cardiovascular phenotype. Identifiers: MedGen CN230736.
Cardiomyopathy (CMYO). Also called: Cardiomyopathies. Identifiers: Orphanet 167848, MedGen C0878544, MONDO:0004994, HP:0001638. Inheritance: Various modes of inheritance.
Hypertrophic cardiomyopathy. Also called: HYPERTROPHIC MYOCARDIOPATHY. Identifiers: Orphanet 217569, MedGen C0007194, MeSH D002312, MONDO:0005045, HP:0001639.

Allele frequency attached by ClinVar (database versions not stated): TOPMed 0.00003; 1000 Genomes Project 30x 0.00016; 1000 Genomes Project 0.00020.
gnomAD v4.1: 74 of 1,614,170 alleles (0.0046%); highest among the groups gnomAD compares: Non-Finnish European, 0.0053%; no homozygotes.

Submissions (4):

Labcorp Genetics (formerly Invitae), Labcorp
Classification: Likely benign for Hypertrophic cardiomyopathy. Last evaluated: 2026-01-14. Review status: criteria provided, single submitter. Criteria: Invitae Variant Classification Sherloc (09022015). Collection method: clinical testing. Allele origin: germline.

All of Us Research Program, National Institutes of Health
Classification: Likely benign for Cardiomyopathy. Last evaluated: 2024-04-16. Review status: criteria provided, single submitter. Criteria: ACMG Guidelines, 2015. Collection method: clinical testing. Allele origin: germline. Inheritance: Autosomal dominant inheritance. Observed: 4 variant alleles, 4 heterozygotes.
Comment: This study involves interpretation of variants in research participants for the purpose of population health screening. Participant phenotype was not available at the time of variant classification. Additional details can be found in publication PMID: 35346344, PMCID: PMC8962531

Color Diagnostics, LLC DBA Color Health
Classification: Likely benign for Cardiomyopathy. Last evaluated: 2019-06-30. Review status: criteria provided, single submitter. Criteria: ACMG Guidelines, 2015. Collection method: clinical testing. Allele origin: germline.

Ambry Genetics
Classification: Likely benign for Cardiovascular phenotype. Last evaluated: 2017-01-05. Review status: criteria provided, single submitter. Criteria: Ambry Variant Classification Scheme 2023. Collection method: clinical testing. Allele origin: germline.

NM_000257.4(MYH7):c.4980A>G (p.Ala1660=)

Genes: MHRT (myosin heavy chain associated RNA transcript; plus strand), MYH7 (myosin heavy chain 7; minus strand), LOC126861897 (BRD4-independent group 4 enhancer GRCh37_chr14:23884455-23885654; plus strand). Cytogenetic location: 14q11.2.
Variant type: single nucleotide variant.
Coding change: c.4980A>G on transcript NM_000257.4 (MANE Select); coding-DNA position 4980, A replaced by G.
Protein change: p.Ala1660=; no amino-acid change (alanine 1660 retained).
Molecular consequence: synonymous variant. On other transcripts: non-coding transcript variant (1).
Genome position (GRCh38, 1-based): chr14:23,415,806, T>C on the plus strand (A>G on the coding strand, the complement: MYH7 is on the minus strand). VCF-style: chr14-23415806-T-C. GRCh37 (hg19) VCF-style: chr14-23885015-T-C.
Other names: c.4980A>G (LRG_384t1).
Identifiers: ClinVar variation 519203 (VCV000519203.17), dbSNP rs112943492, ClinGen allele CA044604.